The following is an entry in ClinVar:

NM_004168.4(SDHA):c.1360G>T (p.Ala454Ser)

Gene: SDHA (succinate dehydrogenase complex flavoprotein subunit A; plus strand). Cytogenetic location: 5p15.33.
Variant type: single nucleotide variant.
Coding change: c.1360G>T on transcript NM_004168.4 (MANE Select); coding-DNA position 1360, G replaced by T.
Protein change: p.Ala454Ser; replaces alanine 454 with serine.
Molecular consequence: missense variant.
Genome position (GRCh38, 1-based): chr5:236,527, G>T. VCF-style: chr5-236527-G-T. GRCh37 (hg19) VCF-style: chr5-236642-G-T.
Other names: c.1216G>T, p.Ala406Ser (NM_001294332.2); c.1360G>T, p.Ala454Ser (NM_001330758.2); c.1360G>T (NM_004168.2); short protein forms A454S, A406S.
Identifiers: ClinVar variation 581048 (VCV000581048.10), dbSNP rs1057517550, ClinGen allele CA359013999.
Genomic context (GRCh38, chr5:236,527, plus strand): 5'-GGCCTGTACGCCTGTGGGGAGGCCGCCTGTGCCTCGGTACATGGTGCCAACCGCCTCGGG[G>T]CAAACTCGCTCTTGGACCTGGTTGTCTTTGGTCGGGCATGTGCCCTGAGCATCGAAGAGT-3'
Protein context (NP_004159.2, residues 444-464): ASVHGANRLG[Ala454Ser]NSLLDLVVFG

ClinVar aggregate classification (germline): Uncertain significance. Review status: criteria provided, multiple submitters, no conflicts (2 of 4 stars). 2 submissions from 2 submitters: Uncertain significance (2). Last evaluated 2025-09-05.

Conditions:
Mitochondrial complex II deficiency, nuclear type 1. Also called: SUCCINATE CoQ REDUCTASE DEFICIENCY. Identifiers: Orphanet 3208, MedGen C5700310, MONDO:0100294, OMIM 252011.
Pheochromocytoma/paraganglioma syndrome 5. Also called: Paragangliomas 5; SDHA-Related Hereditary Paraganglioma-Pheochromocytoma Syndrome. Identifiers: Orphanet 29072, MedGen C3279992, MONDO:0013602, OMIM 614165.
Hereditary cancer-predisposing syndrome. Also called: Neoplastic Syndromes, Hereditary; Tumor predisposition; Hereditary neoplastic syndrome; Hereditary Cancer Syndrome. Identifiers: Orphanet 140162, MedGen C0027672, MeSH D009386, MONDO:0015356.

Submissions (2):

Ambry Genetics
Classification: Uncertain significance for Hereditary cancer-predisposing syndrome. Last evaluated: 2025-09-05. Review status: criteria provided, single submitter. Criteria: Ambry Variant Classification Scheme 2023. Collection method: clinical testing. Allele origin: germline.
Comment: The p.A454S variant (also known as c.1360G>T), located in coding exon 10 of the SDHA gene, results from a G to T substitution at nucleotide position 1360. The alanine at codon 454 is replaced by serine, an amino acid with similar properties. This amino acid position is highly conserved in available vertebrate species. In addition, the in silico prediction for this alteration is inconclusive. Based on the available evidence, the clinical significance of this variant remains unclear.

Labcorp Genetics (formerly Invitae), Labcorp
Classification: Uncertain significance for Pheochromocytoma/paraganglioma syndrome 5; Mitochondrial complex II deficiency, nuclear type 1. Last evaluated: 2022-09-08. Review status: criteria provided, single submitter. Criteria: Invitae Variant Classification Sherloc (09022015). Collection method: clinical testing. Allele origin: germline.
Comment: This sequence change replaces alanine, which is neutral and non-polar, with serine, which is neutral and polar, at codon 454 of the SDHA protein (p.Ala454Ser). This variant is not present in population databases (gnomAD no frequency). In summary, the available evidence is currently insufficient to determine the role of this variant in disease. Therefore, it has been classified as a Variant of Uncertain Significance. Advanced modeling of protein sequence and biophysical properties (such as structural, functional, and spatial information, amino acid conservation, physicochemical variation, residue mobility, and thermodynamic stability) performed at Invitae indicates that this missense variant is not expected to disrupt SDHA protein function. ClinVar contains an entry for this variant (Variation ID: 581048). This variant has not been reported in the literature in individuals affected with SDHA-related conditions.